The following is an entry in ClinVar:

ClinVar aggregate classification (germline): Pathogenic (1 of 4 stars; one submission).

Submission:

Labcorp Genetics (formerly Invitae), Labcorp
Classification: Pathogenic. Last evaluated: 2023-10-14. Review status: criteria provided, single submitter. Criteria: Invitae Variant Classification Sherloc (09022015). Collection method: clinical testing. Allele origin: germline.
Comment: This sequence change creates a premature translational stop signal (p.Gln185*) in the TET2 gene. It is expected to result in an absent or disrupted protein product. Loss-of-function variants in TET2 are known to be pathogenic (PMID: 36066697). This variant is present in population databases (no rsID available, gnomAD 0.0009%). This variant has not been reported in the literature in individuals affected with TET2-related conditions. For these reasons, this variant has been classified as Pathogenic.

Literature cited by the submitters: PubMed 36066697.

NM_001127208.3(TET2):c.553C>T (p.Gln185Ter)

Genes: TET2 (tet methylcytosine dioxygenase 2; plus strand), TET2-AS1 (TET2 antisense RNA 1; minus strand). Cytogenetic location: 4q24.
Variant type: single nucleotide variant.
Coding change: c.553C>T on transcript NM_001127208.3 (MANE Select); coding-DNA position 553, C replaced by T.
Protein change: p.Gln185Ter; replaces glutamine 185 with a stop codon.
Molecular consequence: nonsense.
Genome position (GRCh38, 1-based): chr4:105,234,495, C>T. VCF-style: chr4-105234495-C-T. GRCh37 (hg19) VCF-style: chr4-106155652-C-T.
Other names: c.553C>T, p.Gln185Ter (NM_017628.4); short protein forms Q185*.
Identifiers: ClinVar variation 2819430 (VCV002819430.3), dbSNP rs1224691808, ClinGen allele CA357792207.